The following is an entry in ClinVar:

NM_000264.5(PTCH1):c.1039G>T (p.Val347Phe)

Gene: PTCH1 (patched 1; minus strand). Cytogenetic location: 9q22.32.
Variant type: single nucleotide variant.
Coding change: c.1039G>T on transcript NM_000264.5 (MANE Select); coding-DNA position 1039, G replaced by T.
Protein change: p.Val347Phe; replaces valine 347 with phenylalanine.
Molecular consequence: missense variant. On other transcripts: non-coding transcript variant (1).
Genome position (GRCh38, 1-based): chr9:95,479,997, C>A on the plus strand (G>T on the coding strand, the complement: PTCH1 is on the minus strand). VCF-style: chr9-95479997-C-A. GRCh37 (hg19) VCF-style: chr9-98242279-C-A.
Other names: c.841G>T, p.Val281Phe (NM_001083602.3); c.1036G>T, p.Val346Phe (NM_001083603.3); c.586G>T, p.Val196Phe (NM_001083604.3, NM_001083605.3, NM_001083606.3 and 1 more transcripts); c.1039G>T, p.Val347Phe (NM_001354918.2); short protein forms V281F, V347F, V196F, V346F.
Identifiers: ClinVar variation 409189 (VCV000409189.11), dbSNP rs1060502279, ClinGen allele CA16612938.
Genomic context (GRCh38, chr9:95,479,997, plus strand): 5'-AGGGCATAGATTGTCCTCGGGAGCTGGCTTACCTGACGAGTTTTCCAGTGCTGTTCTTGA[C>A]TGTGCCACCCACAATCAACTCCTCCTGCCAGTGCATATACTTTCTGGATAAGCCATGACA-3'
Protein context (NP_000255.2, residues 337-357): WQEELIVGGT[Val347Phe]KNSTGKLVSA

ClinVar aggregate classification (germline): Uncertain significance. Review status: criteria provided, multiple submitters, no conflicts (2 of 4 stars). 2 submissions from 2 submitters: Uncertain significance (2). Last evaluated 2024-07-19.

Conditions:
Gorlin syndrome. Also called: Nevoid Basal Cell Carcinoma Syndrome; Basal cell nevus syndrome. Identifiers: Orphanet 377, MedGen C0004779, MONDO:0007187.
Hereditary cancer-predisposing syndrome. Also called: Hereditary neoplastic syndrome; Neoplastic Syndromes, Hereditary; Tumor predisposition; Hereditary Cancer Syndrome. Identifiers: Orphanet 140162, MedGen C0027672, MeSH D009386, MONDO:0015356.

gnomAD v4.1: 2 of 1,614,088 alleles (0.00012%); highest among the groups gnomAD compares: Non-Finnish European, 0.00017%; no homozygotes.

Submissions (2):

Labcorp Genetics (formerly Invitae), Labcorp
Classification: Uncertain significance for Gorlin syndrome. Last evaluated: 2024-07-19. Review status: criteria provided, single submitter. Criteria: Invitae Variant Classification Sherloc (09022015). Collection method: clinical testing. Allele origin: germline.
Comment: This sequence change replaces valine, which is neutral and non-polar, with phenylalanine, which is neutral and non-polar, at codon 347 of the PTCH1 protein (p.Val347Phe). This variant is not present in population databases (gnomAD no frequency). This variant has not been reported in the literature in individuals affected with PTCH1-related conditions. ClinVar contains an entry for this variant (Variation ID: 409189). Advanced modeling of protein sequence and biophysical properties (such as structural, functional, and spatial information, amino acid conservation, physicochemical variation, residue mobility, and thermodynamic stability) performed at Invitae indicates that this missense variant is not expected to disrupt PTCH1 protein function with a negative predictive value of 95%. In summary, the available evidence is currently insufficient to determine the role of this variant in disease. Therefore, it has been classified as a Variant of Uncertain Significance.

Ambry Genetics
Classification: Uncertain significance for Hereditary cancer-predisposing syndrome. Last evaluated: 2024-05-31. Review status: criteria provided, single submitter. Criteria: Ambry Variant Classification Scheme 2023. Collection method: clinical testing. Allele origin: germline.
Comment: The p.V347F variant (also known as c.1039G>T), located in coding exon 7 of the PTCH1 gene, results from a G to T substitution at nucleotide position 1039. The valine at codon 347 is replaced by phenylalanine, an amino acid with highly similar properties. This amino acid position is conserved. In addition, the in silico prediction for this alteration is inconclusive. Based on the available evidence, the clinical significance of this variant remains unclear.